The following is an entry in ClinVar:

NM_003280.3(TNNC1):c.202+4A>G

Gene: TNNC1 (troponin C1, slow skeletal and cardiac type; minus strand). Cytogenetic location: 3p21.1.
Variant type: single nucleotide variant.
Coding change: c.202+4A>G on transcript NM_003280.3 (MANE Select); 4 bases into the intron after coding-DNA position 202, A replaced by G.
Molecular consequence: intron variant.
Genome position (GRCh38, 1-based): chr3:52,452,102, T>C on the plus strand (A>G on the coding strand, the complement: TNNC1 is on the minus strand). VCF-style: chr3-52452102-T-C. GRCh37 (hg19) VCF-style: chr3-52486118-T-C.
Identifiers: ClinVar variation 1509376 (VCV001509376.6), dbSNP rs2153229957, ClinGen allele CA2573137357.

ClinVar aggregate classification (germline): Uncertain significance (1 of 4 stars; one submission).

Conditions:
Hypertrophic cardiomyopathy 13. Also called: TNNC1-Related Familial Hypertrophic Cardiomyopathy. Identifiers: MedGen C2750472, MONDO:0013195, OMIM 613243.
Dilated cardiomyopathy 1Z (CMD1Z). Identifiers: Orphanet 154, MedGen C2678475, MONDO:0012745, OMIM 611879.

Submission:

Labcorp Genetics (formerly Invitae), Labcorp
Classification: Uncertain significance for Hypertrophic cardiomyopathy 13; Dilated cardiomyopathy 1Z. Last evaluated: 2021-05-30. Review status: criteria provided, single submitter. Criteria: Invitae Variant Classification Sherloc (09022015). Collection method: clinical testing. Allele origin: germline.
Comment: In summary, the available evidence is currently insufficient to determine the role of this variant in disease. Therefore, it has been classified as a Variant of Uncertain Significance. Nucleotide substitutions within the consensus splice site are a relatively common cause of aberrant splicing (PMID: 17576681, 9536098). Algorithms developed to predict the effect of sequence changes on RNA splicing suggest that this variant may disrupt the consensus splice site, but this prediction has not been confirmed by published transcriptional studies. This variant has not been reported in the literature in individuals with TNNC1-related conditions. This variant is not present in population databases (ExAC no frequency). This sequence change falls in intron 3 of the TNNC1 gene. It does not directly change the encoded amino acid sequence of the TNNC1 protein. It affects a nucleotide within the consensus splice site of the intron.

Literature cited by the submitters: PubMed 17576681; PubMed 9536098.